The following is an entry in ClinVar:

ClinVar aggregate classification (germline): Uncertain significance (1 of 4 stars; one submission).

Allele frequency attached by ClinVar (database versions not stated): ExAC 0.00001; gnomAD 0.00001; gnomAD exomes 0.00001; TOPMed 0.00002.
gnomAD v4.1: 16 of 1,607,800 alleles (0.001%); highest among the groups gnomAD compares: East Asian, 0.033%; no homozygotes.

Submission:

Labcorp Genetics (formerly Invitae), Labcorp
Classification: Uncertain significance. Last evaluated: 2023-06-24. Review status: criteria provided, single submitter. Criteria: Invitae Variant Classification Sherloc (09022015). Collection method: clinical testing. Allele origin: germline.
Comment: Algorithms developed to predict the effect of missense changes on protein structure and function output the following: SIFT: "Not Available"; PolyPhen-2: "Benign"; Align-GVGD: "Not Available". The arginine amino acid residue is found in multiple mammalian species, which suggests that this missense change does not adversely affect protein function. In summary, the available evidence is currently insufficient to determine the role of this variant in disease. Therefore, it has been classified as a Variant of Uncertain Significance. ClinVar contains an entry for this variant (Variation ID: 1037794). This variant has not been reported in the literature in individuals affected with CARMIL2-related conditions. The frequency data for this variant in the population databases is considered unreliable, as metrics indicate poor data quality at this position in the gnomAD database. This sequence change replaces glycine, which is neutral and non-polar, with arginine, which is basic and polar, at codon 404 of the CARMIL2 protein (p.Gly404Arg).

NM_001013838.3(CARMIL2):c.1210G>A (p.Gly404Arg)

Gene: CARMIL2 (capping protein regulator and myosin 1 linker 2; plus strand). Cytogenetic location: 16q22.1.
Variant type: single nucleotide variant.
Coding change: c.1210G>A on transcript NM_001013838.3 (MANE Select); coding-DNA position 1210, G replaced by A.
Protein change: p.Gly404Arg; replaces glycine 404 with arginine.
Molecular consequence: missense variant. On other transcripts: intron variant (1).
Genome position (GRCh38, 1-based): chr16:67,648,190, G>A. VCF-style: chr16-67648190-G-A. GRCh37 (hg19) VCF-style: chr16-67682093-G-A.
Other names: c.1150-48G>A (NM_001317026.3); short protein forms G404R.
Identifiers: ClinVar variation 1037794 (VCV001037794.6), dbSNP rs770593103, ClinGen allele CA8113371.